The following is an entry in ClinVar:

NM_001080.3(ALDH5A1):c.*1392C>A

Gene: ALDH5A1 (aldehyde dehydrogenase 5 family member A1; plus strand). Cytogenetic location: 6p22.3.
Variant type: single nucleotide variant.
Coding change: c.*1392C>A on transcript NM_001080.3 (MANE Select); 1392 bases downstream of the stop codon, C replaced by A.
Molecular consequence: 3 prime UTR variant.
Genome position (GRCh38, 1-based): chr6:24,535,104, C>A. VCF-style: chr6-24535104-C-A. GRCh37 (hg19) VCF-style: chr6-24535332-C-A.
Other names: c.*1392C>A (NM_001368954.1, NM_170740.1).
Identifiers: ClinVar variation 356169 (VCV000356169.5), dbSNP rs116311769, ClinGen allele CA10626369.

ClinVar aggregate classification (germline): Benign (1 of 4 stars; one submission).

Conditions:
Succinate-semialdehyde dehydrogenase deficiency (SSADHD). Also called: Succinic Semialdehyde Dehydrogenase Deficiency; 4-HYDROXYBUTYRIC ACIDURIA; GABA METABOLIC DEFECT; SSADH DEFICIENCY. Identifiers: Orphanet 22, MedGen C0268631, MONDO:0010083, OMIM 271980.

Allele frequency attached by ClinVar (database versions not stated): 1000 Genomes Project 30x 0.00625; 1000 Genomes Project 0.00659; TOPMed 0.00748.

Submission:

Illumina Laboratory Services, Illumina
Classification: Benign for Succinate-semialdehyde dehydrogenase deficiency. Last evaluated: 2018-01-12. Review status: criteria provided, single submitter. Criteria: ICSL Variant Classification Criteria 13 December 2019. Collection method: clinical testing. Allele origin: germline.
Comment: This variant was observed in the ICSL laboratory as part of a predisposition screen in an ostensibly healthy population. It had not been previously curated by ICSL or reported in the Human Gene Mutation Database (HGMD: prior to June 1st, 2018), and was therefore a candidate for classification through an automated scoring system. Utilizing variant allele frequency, disease prevalence and penetrance estimates, and inheritance mode, an automated score was calculated to assess if this variant is too frequent to cause the disease. Based on the score and internal cut-off values, a variant classified as benign is not then subjected to further curation. The score for this variant resulted in a classification of benign for this disease.